The following is an entry in ClinVar:

ClinVar aggregate classification (germline): Uncertain significance. Review status: criteria provided, multiple submitters, no conflicts (2 of 4 stars). 6 submissions from 5 submitters: Uncertain significance (6). Last evaluated 2026-06-02.

Conditions:
Inclusion body myopathy with Paget disease of bone and frontotemporal dementia. Also called: Inclusion body myopathy with early-onset Paget disease and frontotemporal dementia. Identifiers: Orphanet 52430, MedGen C1833662, MONDO:0000507.
Frontotemporal dementia and/or amyotrophic lateral sclerosis 6 (FTDALS6). Also called: VCP-Related Amyotrophic Lateral Sclerosis; VCP-Related Amyotrophic Lateral Sclerosis/Frontotemporal Dementia. Identifiers: Orphanet 275872, Orphanet 803, MedGen C5436279, MONDO:0013501, OMIM 613954.
VCP-related disorder. Also called: VCP-related disorders; VCP-related condition.
Inclusion body myopathy with Paget disease of bone and frontotemporal dementia type 1. Also called: MULTISYSTEM PROTEINOPATHY 1; Inclusion body myopathy with early-onset Paget disease and frontotemporal dementia 1; Inclusion body myopathy with early-onset Paget disease with or without frontotemporal dementia 1. Identifiers: MedGen C4551951, MONDO:0008178, OMIM 167320.

Allele frequency attached by ClinVar (database versions not stated): TOPMed below 0.00001; ExAC 0.00001; gnomAD 0.00001; gnomAD exomes 0.00001.

Submissions (6):

PreventionGenetics, part of Exact Sciences
Classification: Uncertain significance for VCP-related condition. Last evaluated: 2026-06-02. Review status: criteria provided, single submitter. Criteria: ACMG Guidelines, 2015. Collection method: clinical testing. Allele origin: germline.
Comment: The VCP c.697A>G variant is predicted to result in the amino acid substitution p.Ile233Val. This variant has been reported as a variant of uncertain significance in an infant with muscle weakness, dysphagia, dyspnea, and motor neuron dysfunction (Liu et al. 2021. PubMed ID: 34298581). One functional study has shown this variant has undetermined association with disease (Schiava et al. 2023. PubMed ID: 37588275). This variant is reported in 0.0099% of alleles in individuals of Ashkenazi Jewish descent in gnomAD. At this time, the clinical significance of this variant is uncertain due to the absence of conclusive functional and genetic evidence.

GeneDx
Classification: Uncertain significance. Last evaluated: 2024-10-22. Review status: criteria provided, single submitter. Criteria: GeneDx Variant Classification Process June 2021. Collection method: clinical testing. Allele origin: germline. Affected: yes.
Comment: Reported as a variant of uncertain significance in an infant with muscle weakness, dysphagia, dyspnea, and motor neuron dysfunction (PMID: 34298581); Published functional studies suggest the variant results in increased ATPase activity (PMID: 37588275); In silico analysis indicates that this missense variant does not alter protein structure/function; This variant is associated with the following publications: (PMID: 37588275, 34298581)

Labcorp Genetics (formerly Invitae), Labcorp
Classification: Uncertain significance for Inclusion body myopathy with Paget disease of bone and frontotemporal dementia; Frontotemporal dementia and/or amyotrophic lateral sclerosis 6. Last evaluated: 2022-09-05. Review status: criteria provided, single submitter. Criteria: Invitae Variant Classification Sherloc (09022015). Collection method: clinical testing. Allele origin: germline.
Comment: In summary, the available evidence is currently insufficient to determine the role of this variant in disease. Therefore, it has been classified as a Variant of Uncertain Significance. Algorithms developed to predict the effect of sequence changes on RNA splicing suggest that this variant may create or strengthen a splice site. Advanced modeling of protein sequence and biophysical properties (such as structural, functional, and spatial information, amino acid conservation, physicochemical variation, residue mobility, and thermodynamic stability) performed at Invitae indicates that this missense variant is not expected to disrupt VCP protein function. ClinVar contains an entry for this variant (Variation ID: 913795). This variant has not been reported in the literature in individuals affected with VCP-related conditions. This variant is present in population databases (rs750335399, gnomAD 0.01%). This sequence change replaces isoleucine, which is neutral and non-polar, with valine, which is neutral and non-polar, at codon 233 of the VCP protein (p.Ile233Val).

Athena Diagnostics
Classification: Uncertain significance. Last evaluated: 2020-11-20. Review status: criteria provided, single submitter. Criteria: Athena Diagnostics criteria. Collection method: clinical testing. Allele origin: unknown.

Illumina Laboratory Services, Illumina
Classification: Uncertain significance for Inclusion body myopathy with Paget disease of bone and frontotemporal dementia type 1. Last evaluated: 2018-01-12. Review status: criteria provided, single submitter. Criteria: ICSL Variant Classification Criteria 13 December 2019. Collection method: clinical testing. Allele origin: germline.

Illumina Laboratory Services, Illumina
Classification: Uncertain significance for Frontotemporal dementia and/or amyotrophic lateral sclerosis 6. Last evaluated: 2018-01-12. Review status: criteria provided, single submitter. Criteria: ICSL Variant Classification Criteria 13 December 2019. Collection method: clinical testing. Allele origin: germline.

NM_007126.5(VCP):c.697A>G (p.Ile233Val)

Gene: VCP (valosin containing protein; minus strand). Cytogenetic location: 9p13.3.
Variant type: single nucleotide variant.
Coding change: c.697A>G on transcript NM_007126.5 (MANE Select); coding-DNA position 697, A replaced by G.
Protein change: p.Ile233Val; replaces isoleucine 233 with valine.
Molecular consequence: missense variant.
Genome position (GRCh38, 1-based): chr9:35,064,165, T>C on the plus strand (A>G on the coding strand, the complement: VCP is on the minus strand). VCF-style: chr9-35064165-T-C. GRCh37 (hg19) VCF-style: chr9-35064162-T-C.
Other names: c.562A>G, p.Ile188Val (NM_001354927.2, NM_001354928.2); short protein forms I188V, I233V.
Identifiers: ClinVar variation 913795 (VCV000913795.16), dbSNP rs750335399, ClinGen allele CA5039411.